The following is an entry in ClinVar:

NM_015425.6(POLR1A):c.817+3G>C

Gene: POLR1A (RNA polymerase I subunit A; minus strand). Cytogenetic location: 2p11.2.
Variant type: single nucleotide variant.
Coding change: c.817+3G>C on transcript NM_015425.6 (MANE Select); 3 bases into the intron after coding-DNA position 817, G replaced by C.
Molecular consequence: intron variant.
Genome position (GRCh38, 1-based): chr2:86,083,079, C>G on the plus strand (G>C on the coding strand, the complement: POLR1A is on the minus strand). VCF-style: chr2-86083079-C-G. GRCh37 (hg19) VCF-style: chr2-86310202-C-G.
Identifiers: ClinVar variation 4855268 (VCV004855268.1).

ClinVar aggregate classification (germline): Uncertain significance (1 of 4 stars; one submission).

Conditions:
Acrofacial dysostosis Cincinnati type. Identifiers: Orphanet 1200, MedGen C4225317, MONDO:0014651, OMIM 616462.

Submission:

3billion
Classification: Uncertain significance for Acrofacial dysostosis Cincinnati type. Last evaluated: 2025-06-07. Review status: criteria provided, single submitter. Criteria: ACMG Guidelines, 2015. Collection method: clinical testing. Allele origin: germline. Affected: yes.
Comment: The variant is not observed in the gnomAD v4.1.0 dataset. Predicted Consequence/Location: Intron variant In silico tools predict the variant to alter splicing and produce an abnormal transcript [SpliceAI: 0.46 (>=0.2, moderate evidence for spliceogenicity)]. Therefore, this variant is classified as VUS according to the recommendation of ACMG/AMP guideline.